The following is an entry in ClinVar:

ClinVar aggregate classification (germline): Pathogenic (1 of 4 stars; one submission).

Submission:

Labcorp Genetics (formerly Invitae), Labcorp
Classification: Pathogenic. Last evaluated: 2022-11-02. Review status: criteria provided, single submitter. Criteria: Invitae Variant Classification Sherloc (09022015). Collection method: clinical testing. Allele origin: germline.
Comment: This variant is a gross deletion of the genomic region encompassing exon(s) 4 of the ERCC8 gene. This deletion is out-of-frame, and is expected to create a premature termination codon and result in an absent or disrupted protein product. Loss-of-function variants in ERCC8 are known to be pathogenic (PMID: 29572252). A similar copy number variant has been observed in individual(s) with short stature (PMID: 30138938). In at least one individual the data is consistent with being in trans (on the opposite chromosome) from a pathogenic variant. For these reasons, this variant has been classified as Pathogenic.

Literature cited by the submitters: PubMed 29572252; PubMed 30138938.

NC_000005.10:g.(?_60918255)_(60918398_?)del

Genes: ERCC8 (ERCC excision repair 8, CSA ubiquitin ligase complex subunit; minus strand), ERCC8-AS1 (ERCC8 antisense RNA 1; plus strand). Cytogenetic location: 5q12.1.
Variant type: Deletion.
Identifiers: ClinVar variation 661197 (VCV000661197.7).